The following is an entry in ClinVar:

NM_006258.4(PRKG1):c.258C>G (p.Phe86Leu)

Gene: PRKG1 (protein kinase cGMP-dependent 1; plus strand). Cytogenetic location: 10q11.23.
Variant type: single nucleotide variant.
Coding change: c.258C>G on transcript NM_006258.4 (MANE Select); coding-DNA position 258, C replaced by G.
Protein change: p.Phe86Leu; replaces phenylalanine 86 with leucine.
Molecular consequence: missense variant. On other transcripts: intron variant (1).
Genome position (GRCh38, 1-based): chr10:51,074,848, C>G. VCF-style: chr10-51074848-C-G. GRCh37 (hg19) VCF-style: chr10-52834608-C-G.
Other names: c.258C>G, p.Phe86Leu (NM_001374782.1); c.267-78316C>G (NM_001098512.3); short protein forms F86L.
Identifiers: ClinVar variation 3783389 (VCV003783389.1).

ClinVar aggregate classification (germline): Uncertain significance (1 of 4 stars; one submission).

Conditions:
Familial thoracic aortic aneurysm and aortic dissection (TAAD). Also called: Thoracic aortic aneurysms and dissections. Identifiers: Orphanet 91387, MedGen C4707243, MONDO:0019625.

Submission:

Ambry Genetics
Classification: Uncertain significance for Familial thoracic aortic aneurysm and aortic dissection. Last evaluated: 2024-12-31. Review status: criteria provided, single submitter. Criteria: Ambry Variant Classification Scheme 2023. Collection method: clinical testing. Allele origin: germline.
Comment: The p.F86L variant (also known as c.258C>G), located in coding exon 1 of the PRKG1 gene, results from a C to G substitution at nucleotide position 258. The phenylalanine at codon 86 is replaced by leucine, an amino acid with highly similar properties. This amino acid position is conserved. In addition, this alteration is predicted to be tolerated by in silico analysis. Based on the available evidence, the clinical significance of this variant remains unclear.